The following is an entry in ClinVar:

NM_015295.3(SMCHD1):c.1756C>T (p.Pro586Ser)

Gene: SMCHD1 (structural maintenance of chromosomes flexible hinge domain containing 1; plus strand). Cytogenetic location: 18p11.32.
Variant type: single nucleotide variant.
Coding change: c.1756C>T on transcript NM_015295.3 (MANE Select); coding-DNA position 1756, C replaced by T.
Protein change: p.Pro586Ser; replaces proline 586 with serine.
Molecular consequence: missense variant.
Genome position (GRCh38, 1-based): chr18:2,703,800, C>T. VCF-style: chr18-2703800-C-T. GRCh37 (hg19) VCF-style: chr18-2703798-C-T.
Other names: short protein forms P586S.
Identifiers: ClinVar variation 3722030 (VCV003722030.2).

ClinVar aggregate classification (germline): Uncertain significance (1 of 4 stars; one submission).

Conditions:
Facioscapulohumeral muscular dystrophy 2 (FSHD2). Also called: MUSCULAR DYSTROPHY, FACIOSCAPULOHUMERAL, TYPE 1B; FACIOSCAPULOHUMERAL MUSCULAR DYSTROPHY 2, DIGENIC; FSHD2, DIGENIC. Identifiers: Orphanet 269, MedGen C1834671, MONDO:0008031, OMIM 158901.

gnomAD v4.1: 33 of 1,612,794 alleles (0.002%); highest among the groups gnomAD compares: East Asian, 0.054%; no homozygotes.

Submission:

Labcorp Genetics (formerly Invitae), Labcorp
Classification: Uncertain significance for Facioscapulohumeral muscular dystrophy 2. Last evaluated: 2024-06-28. Review status: criteria provided, single submitter. Criteria: Invitae Variant Classification Sherloc (09022015). Collection method: clinical testing. Allele origin: germline.
Comment: This sequence change replaces proline, which is neutral and non-polar, with serine, which is neutral and polar, at codon 586 of the SMCHD1 protein (p.Pro586Ser). This variant is present in population databases (rs753839850, gnomAD 0.03%). This variant has not been reported in the literature in individuals affected with SMCHD1-related conditions. Advanced modeling of protein sequence and biophysical properties (such as structural, functional, and spatial information, amino acid conservation, physicochemical variation, residue mobility, and thermodynamic stability) performed at Invitae indicates that this missense variant is not expected to disrupt SMCHD1 protein function with a negative predictive value of 80%. In summary, the available evidence is currently insufficient to determine the role of this variant in disease. Therefore, it has been classified as a Variant of Uncertain Significance.